The following is an entry in ClinVar:

NM_000245.4(MET):c.3377C>A (p.Thr1126Asn)

Gene: MET (MET proto-oncogene, receptor tyrosine kinase; plus strand). Cytogenetic location: 7q31.2.
Variant type: single nucleotide variant.
Coding change: c.3377C>A on transcript NM_000245.4 (MANE Select); coding-DNA position 3377, C replaced by A.
Protein change: p.Thr1126Asn; replaces threonine 1126 with asparagine.
Molecular consequence: missense variant.
Genome position (GRCh38, 1-based): chr7:116,778,812, C>A. VCF-style: chr7-116778812-C-A. GRCh37 (hg19) VCF-style: chr7-116418866-C-A.
Other names: c.3431C>A (LRG_662t1, NM_001127500.2); c.3431C>A, p.Thr1144Asn (NM_001127500.3); c.2087C>A, p.Thr696Asn (NM_001324402.2); short protein forms T1144N, T1126N, T696N.
Identifiers: ClinVar variation 411889 (VCV000411889.14), dbSNP rs367634278, ClinGen allele CA4448714.

ClinVar aggregate classification (germline): Conflicting classifications of pathogenicity. Review status: criteria provided, conflicting classifications (1 of 4 stars). 4 submissions from 4 submitters: Uncertain significance (2); Likely benign (2). Last evaluated 2026-01-19.

Conditions:
Autosomal recessive nonsyndromic hearing loss 97. Also called: Deafness, autosomal recessive 97. Identifiers: Orphanet 90636, MedGen C4084709, MONDO:0014739, OMIM 616705.
MET-related disorder. Also called: MET-related condition.
Renal cell carcinoma. Identifiers: Orphanet 217071, MedGen C0007134, MeSH D002292, MONDO:0005086, HP:0005584.
Hereditary cancer-predisposing syndrome. Also called: Tumor predisposition; Hereditary Cancer Syndrome; Hereditary neoplastic syndrome; Neoplastic Syndromes, Hereditary. Identifiers: Orphanet 140162, MedGen C0027672, MeSH D009386, MONDO:0015356.

Allele frequency attached by ClinVar (database versions not stated): gnomAD 0.00001; gnomAD exomes 0.00002; ExAC 0.00004; TOPMed 0.00006; ESP Exome Variant Server 0.00017.
gnomAD v4.1: 4 of 1,613,920 alleles (0.00025%); highest among the groups gnomAD compares: African/African-American, 0.0053%; no homozygotes.

Submissions (4):

Labcorp Genetics (formerly Invitae), Labcorp
Classification: Likely benign for Renal cell carcinoma. Last evaluated: 2026-01-19. Review status: criteria provided, single submitter. Criteria: Invitae Variant Classification Sherloc (09022015). Collection method: clinical testing. Allele origin: germline.

PreventionGenetics, part of Exact Sciences
Classification: Uncertain significance for MET-related condition. Last evaluated: 2023-10-04. Review status: criteria provided, single submitter. Criteria: ACMG Guidelines, 2015. Collection method: clinical testing. Allele origin: germline.
Comment: The MET c.3431C>A variant is predicted to result in the amino acid substitution p.Thr1144Asn. To our knowledge, this variant has not been reported in the literature. This variant is reported in 0.019% of alleles in individuals of African descent in gnomAD. It is interpreted as like benign in ClinVar. At this time, the clinical significance of this variant is uncertain due to the absence of conclusive functional and genetic evidence.

Baylor Genetics
Classification: Uncertain significance for Autosomal recessive nonsyndromic hearing loss 97. Last evaluated: 2023-09-21. Review status: criteria provided, single submitter. Criteria: ACMG Guidelines, 2015. Collection method: clinical testing. Allele origin: unknown.

Ambry Genetics
Classification: Likely benign for Hereditary cancer-predisposing syndrome. Last evaluated: 2022-03-18. Review status: criteria provided, single submitter. Criteria: Ambry Variant Classification Scheme 2023. Collection method: clinical testing. Allele origin: germline.